The following is an entry in ClinVar:

NM_001127222.2(CACNA1A):c.2350C>T (p.Gln784Ter)

Gene: CACNA1A (calcium voltage-gated channel subunit alpha1 A; minus strand). Cytogenetic location: 19p13.13.
Variant type: single nucleotide variant.
Coding change: c.2350C>T on transcript NM_001127222.2 (MANE Select); coding-DNA position 2350, C replaced by T.
Protein change: p.Gln784Ter; replaces glutamine 784 with a stop codon.
Molecular consequence: nonsense.
Genome position (GRCh38, 1-based): chr19:13,299,283, G>A on the plus strand (C>T on the coding strand, the complement: CACNA1A is on the minus strand). VCF-style: chr19-13299283-G-A. GRCh37 (hg19) VCF-style: chr19-13410097-G-A.
Other names: c.2362C>T, p.Gln788Ter (NM_000068.4, NM_023035.3); c.2353C>T, p.Gln785Ter (NM_001127221.2, NM_001174080.2); short protein forms Q785*, Q784*, Q788*.
Identifiers: ClinVar variation 1970847 (VCV001970847.5), dbSNP rs2512910840, ClinGen allele CA404343644.

ClinVar aggregate classification (germline): Pathogenic (1 of 4 stars; one submission).

Conditions:
Episodic ataxia type 2 (EA2). Also called: ATAXIA, EPISODIC, WITH NYSTAGMUS; ATAXIA, FAMILIAL PAROXYSMAL; CEREBELLAR ATAXIA, PAROXYSMAL, ACETAZOLAMIDE-RESPONSIVE; CEREBELLOPATHY, HEREDITARY PAROXYSMAL; EPISODIC ATAXIA, NYSTAGMUS-ASSOCIATED; ACETAZOLAMIDE-RESPONSIVE HEREDITARY PAROXYSMAL CEREBELLAR ATAXIA. Identifiers: Orphanet 97, MedGen C1720416, MONDO:0007163, OMIM 108500.
Developmental and epileptic encephalopathy, 42 (DEE42A). Also called: Epileptic encephalopathy, early infantile, 42; DEVELOPMENTAL AND EPILEPTIC ENCEPHALOPATHY 42A; EPILEPTIC ENCEPHALOPATHY, EARLY INFANTILE, 42A. Identifiers: MedGen C4310716, MONDO:0014917, OMIM 617106.

Allele frequency attached by ClinVar (database versions not stated): gnomAD exomes below 0.00001.
gnomAD v4.1: 1 of 1,604,278 alleles (0.000062%); highest among the groups gnomAD compares: Admixed American, 0.0017%; no homozygotes.

Submission:

Labcorp Genetics (formerly Invitae), Labcorp
Classification: Pathogenic for Developmental and epileptic encephalopathy, 42; Episodic ataxia type 2. Last evaluated: 2021-12-25. Review status: criteria provided, single submitter. Criteria: Invitae Variant Classification Sherloc (09022015). Collection method: clinical testing. Allele origin: germline.
Comment: This sequence change creates a premature translational stop signal (p.Gln785*) in the CACNA1A gene. It is expected to result in an absent or disrupted protein product. Loss-of-function variants in CACNA1A are known to be pathogenic (PMID: 10371528, 19486177, 25735478, 27250579). This variant is not present in population databases (gnomAD no frequency). This variant has not been reported in the literature in individuals affected with CACNA1A-related conditions. For these reasons, this variant has been classified as Pathogenic.

Literature cited by the submitters: PubMed 10371528; PubMed 19486177; PubMed 25735478; PubMed 27250579.